The following is an entry in ClinVar:

ClinVar aggregate classification (germline): Uncertain significance. Review status: criteria provided, multiple submitters, no conflicts (2 of 4 stars). 2 submissions from 2 submitters: Uncertain significance (2). Last evaluated 2026-06-25.

Conditions:
A2ML1-related disorder. Also called: A2ML1-related condition.

Allele frequency attached by ClinVar (database versions not stated): ExAC 0.00001; gnomAD exomes 0.00001 and 0.00002; gnomAD 0.00005; TOPMed 0.00005.
gnomAD v4.1: 36 of 1,614,010 alleles (0.0022%); highest among the groups gnomAD compares: African/African-American, 0.016%; no homozygotes.

Submissions (2):

PreventionGenetics, part of Exact Sciences
Classification: Uncertain significance for A2ML1-related condition. Last evaluated: 2026-06-25. Review status: criteria provided, single submitter. Criteria: ACMG Guidelines, 2015. Collection method: clinical testing. Allele origin: germline.
Comment: The A2ML1 c.3235G>A variant is predicted to result in the amino acid substitution p.Val1079Met. To our knowledge, this variant has not been reported in the literature. This variant is reported in 0.0065% of alleles in individuals of African descent in gnomAD. At this time, the clinical significance of this variant is uncertain due to the absence of conclusive functional and genetic evidence.

Labcorp Genetics (formerly Invitae), Labcorp
Classification: Uncertain significance. Last evaluated: 2025-05-18. Review status: criteria provided, single submitter. Criteria: Invitae Variant Classification Sherloc (09022015). Collection method: clinical testing. Allele origin: germline.
Comment: This sequence change replaces valine, which is neutral and non-polar, with methionine, which is neutral and non-polar, at codon 1079 of the A2ML1 protein (p.Val1079Met). This variant is present in population databases (rs376593636, gnomAD 0.007%). This variant has not been reported in the literature in individuals affected with A2ML1-related conditions. ClinVar contains an entry for this variant (Variation ID: 853820). An algorithm developed to predict the effect of missense changes on protein structure and function (PolyPhen-2) suggests that this variant is likely to be disruptive. In summary, the available evidence is currently insufficient to determine the role of this variant in disease. Therefore, it has been classified as a Variant of Uncertain Significance.

NM_144670.6(A2ML1):c.3235G>A (p.Val1079Met)

Gene: A2ML1 (alpha-2-macroglobulin like 1; plus strand). Cytogenetic location: 12p13.31.
Variant type: single nucleotide variant.
Coding change: c.3235G>A on transcript NM_144670.6 (MANE Select); coding-DNA position 3235, G replaced by A.
Protein change: p.Val1079Met; replaces valine 1079 with methionine.
Molecular consequence: missense variant.
Genome position (GRCh38, 1-based): chr12:8,858,073, G>A. VCF-style: chr12-8858073-G-A. GRCh37 (hg19) VCF-style: chr12-9010669-G-A.
Other names: c.1762G>A, p.Val588Met (NM_001282424.3); c.3235G>A (NM_144670.5); short protein forms V588M, V1079M.
Identifiers: ClinVar variation 853820 (VCV000853820.10), dbSNP rs376593636, ClinGen allele CA6436292.
Genomic context (GRCh38, chr12:8,858,073, plus strand): 5'-ATCCAGGATGCTCTCAAGTGGATGGCAGGAAACCAGCTCCCCAGTGGCTGCTATGCCAAC[G>A]TGGGAAATCTCCTTCACACAGCTATGAAGGTGCGGATCTGTCCAGGAGCCTGCAGCCAAC-3'
Protein context (NP_653271.3, residues 1069-1089): NQLPSGCYAN[Val1079Met]GNLLHTAMKG